The following is an entry in ClinVar:

ClinVar aggregate classification (germline): Pathogenic (1 of 4 stars; one submission).

Conditions:
Neurodevelopmental disorder with central hypotonia and dysmorphic facies (NEDCHF). Identifiers: MedGen C5676944, MONDO:0859232, OMIM 619797.

Submission:

Imagene.me medical diagnostic laboratory, IMAGENE.ME SA
Classification: Pathogenic for Neurodevelopmental disorder with central hypotonia and dysmorphic facies. Review status: criteria provided, single submitter. Criteria: IMAGENE.ME Variant Classification SOP 2022. Collection method: clinical testing. Allele origin: de novo. Affected: yes.
Comment: Classified according to the IMAGENE.ME variant classification SOP based on the ACMG guidelines as Pathogenic (P): PS2 + PM1 + PM2 + PP3 + PP4

NM_001378414.1(HDAC4):c.739G>A (p.Glu247Lys)

Gene: HDAC4 (histone deacetylase 4; minus strand). Cytogenetic location: 2q37.3.
Variant type: single nucleotide variant.
Coding change: c.739G>A on transcript NM_001378414.1 (MANE Select); coding-DNA position 739, G replaced by A.
Protein change: p.Glu247Lys; replaces glutamic acid 247 with lysine.
Molecular consequence: missense variant.
Genome position (GRCh38, 1-based): chr2:239,144,709, C>T on the plus strand (G>A on the coding strand, the complement: HDAC4 is on the minus strand). VCF-style: chr2-239144709-C-T. GRCh37 (hg19) VCF-style: chr2-240066405-C-T.
Other names: c.739G>A, p.Glu247Lys (NM_001378415.1, NM_001378416.1, NM_001378417.1 and 1 more transcripts); c.658G>A, p.Glu220Lys (NM_001435991.1, NM_001435992.1, NM_001435994.1 and 1 more transcripts); c.595G>A, p.Glu199Lys (NM_001435993.1); c.724G>A, p.Glu242Lys (NM_001435996.1); short protein forms E199K, E220K, E242K, E247K.
Identifiers: ClinVar variation 4685502 (VCV004685502.1).